The following is an entry in ClinVar:

Conditions:
Breast-ovarian cancer, familial, susceptibility to, 1 (BROVCA1). Also called: BRCA1 Hereditary Breast and Ovarian Cancer; OVARIAN CANCER, SUSCEPTIBILITY TO. Identifiers: Orphanet 145, MedGen C2676676, MONDO:0011450, OMIM 604370. Disease mechanism: loss of function.

Submission:

Brotman Baty Institute, University of Washington
No classification provided (evidence only). Condition: Breast-ovarian cancer, familial 1. Review status: no classification provided. Collection method: in vitro. Allele origin: not applicable. Functional consequence: functionally_normal.
ClinVar note: "not provided" was previously submitted as the classification for the variant. However, the classification appeared to be based only on an observation of functional data so it was converted to no classification on 2025-07-30.

NM_007294.4(BRCA1):c.5389T>G (p.Ser1797Ala)

Gene: BRCA1 (BRCA1 DNA repair associated; minus strand). Cytogenetic location: 17q21.31.
Variant type: single nucleotide variant.
Coding change: c.5389T>G on transcript NM_007294.4 (MANE Select); coding-DNA position 5389, T replaced by G.
Protein change: p.Ser1797Ala; replaces serine 1797 with alanine.
Molecular consequence: missense variant. On other transcripts: non-coding transcript variant (1), intron variant (1).
Genome position (GRCh38, 1-based): chr17:43,049,138, A>C on the plus strand (T>G on the coding strand, the complement: BRCA1 is on the minus strand). VCF-style: chr17-43049138-A-C. GRCh37 (hg19) VCF-style: chr17-41201155-A-C.
Other names: c.5176T>G, p.Ser1726Ala (NM_001407571.1, NM_001407894.1, NM_001407895.1 and 12 more transcripts); c.5455T>G, p.Ser1819Ala (NM_001407581.1, NM_001407582.1); c.5452T>G, p.Ser1818Ala (NM_001407583.1, NM_001407585.1, NM_001407587.1 and 1 more transcripts); c.5449T>G, p.Ser1817Ala (NM_001407590.1, NM_001407591.1); c.5389T>G, p.Ser1797Ala (NM_001407593.1, NM_001407594.1, NM_001407596.1 and 5 more transcripts); c.5386T>G, p.Ser1796Ala (NM_001407614.1, NM_001407615.1, NM_001407616.1 and 14 more transcripts); c.5383T>G, p.Ser1795Ala (NM_001407633.1, NM_001407634.1, NM_001407635.1 and 13 more transcripts); c.5311T>G, p.Ser1771Ala (NM_001407655.1, NM_001407652.1, NM_001407653.1 and 1 more transcripts); and 73 more; short protein forms S1818A, S693A, S1750A, S1797A, S1500A, S1670A, S1726A, S1753A.
Identifiers: ClinVar variation 865412 (VCV000865412.3), dbSNP rs2051077510, ClinGen allele CA10590696.
Genomic context (GRCh38, chr17:43,049,138, plus strand): 5'-GAATATTGTGTCCTCCCTCTCTGACAGGGCACCCAATACTTACTGTGCCAAGGGTGAATG[A>C]TGAAAGCTCCTTCACCACAGAAGCACCACACAGCTGTACCATCCATTCCAGTTGATCTAA-3'
Protein context (NP_009225.1, residues 1787-1807): CGASVVKELS[Ser1797Ala]FTLGTGVHPI